The following is an entry in ClinVar:

ClinVar aggregate classification (germline): Uncertain significance (1 of 4 stars; one submission).

Allele frequency attached by ClinVar (database versions not stated): gnomAD exomes 0.00009 and 0.00010; TOPMed 0.00011; ExAC 0.00012; gnomAD 0.00014; ESP Exome Variant Server 0.00016.
gnomAD v4.1: 173 of 1,595,138 alleles (0.011%); highest among the groups gnomAD compares: Non-Finnish European, 0.013%; no homozygotes.

Submission:

Labcorp Genetics (formerly Invitae), Labcorp
Classification: Uncertain significance. Last evaluated: 2025-03-24. Review status: criteria provided, single submitter. Criteria: Invitae Variant Classification Sherloc (09022015). Collection method: clinical testing. Allele origin: germline.
Comment: This sequence change replaces threonine, which is neutral and polar, with alanine, which is neutral and non-polar, at codon 317 of the FUK protein (p.Thr317Ala). This variant is present in population databases (rs377164688, gnomAD 0.02%). This variant has not been reported in the literature in individuals affected with FUK-related conditions. ClinVar contains an entry for this variant (Variation ID: 1682360). An algorithm developed to predict the effect of missense changes on protein structure and function (PolyPhen-2) suggests that this variant is likely to be tolerated. In summary, the available evidence is currently insufficient to determine the role of this variant in disease. Therefore, it has been classified as a Variant of Uncertain Significance.

NM_145059.3(FCSK):c.949A>G (p.Thr317Ala)

Gene: FCSK (fucose kinase; plus strand). Cytogenetic location: 16q22.1.
Variant type: single nucleotide variant.
Coding change: c.949A>G on transcript NM_145059.3 (MANE Select); coding-DNA position 949, A replaced by G.
Protein change: p.Thr317Ala; replaces threonine 317 with alanine.
Molecular consequence: missense variant.
Genome position (GRCh38, 1-based): chr16:70,469,317, A>G. VCF-style: chr16-70469317-A-G. GRCh37 (hg19) VCF-style: chr16-70503220-A-G.
Other names: short protein forms T317A.
Identifiers: ClinVar variation 1682360 (VCV001682360.6), dbSNP rs377164688, ClinGen allele CA8143130.
Genomic context (GRCh38, chr16:70,469,317, plus strand): 5'-GCGGGTTATCTGCAGAGCGCCCGGGCCCAGCTGTGGAGGGAGCTTCGCGATCAGCCCCTT[A>G]CCATGGGTGGGTACTGCCTCTCAGCTCCCTGGGGTGGGGAGACCATGGGAGTGAGGACCC-3'
Protein context (NP_659496.2, residues 307-327): LWRELRDQPL[Thr317Ala]MAYVSSGSYS